The following is an entry in ClinVar:

ClinVar aggregate classification (germline): Pathogenic (1 of 4 stars; one submission).

Conditions:
Curry-Hall syndrome (WAD). Also called: WEYERS ACRODENTAL DYSOSTOSIS. Identifiers: Orphanet 952, MedGen C0457013, MONDO:0008673, OMIM 193530.
Ellis-van Creveld syndrome (EVC). Also called: EVC-Related Ellis-van Creveld Syndrome; EVC2-Related Ellis-van Creveld Syndrome; MESOECTODERMAL DYSPLASIA; Chondroectodermal dysplasia. Identifiers: Orphanet 289, MedGen C0013903, MONDO:0009162, OMIM 225500.

Submission:

Labcorp Genetics (formerly Invitae), Labcorp
Classification: Pathogenic for Curry-Hall syndrome; Ellis-van Creveld syndrome. Last evaluated: 2023-01-13. Review status: criteria provided, single submitter. Criteria: Invitae Variant Classification Sherloc (09022015). Collection method: clinical testing. Allele origin: germline.
Comment: For these reasons, this variant has been classified as Pathogenic. This sequence change creates a premature translational stop signal (p.Glu794*) in the EVC2 gene. It is expected to result in an absent or disrupted protein product. Loss-of-function variants in EVC2 are known to be pathogenic (PMID: 17024374, 19810119, 19876929). This variant is not present in population databases (gnomAD no frequency). This variant has not been reported in the literature in individuals affected with EVC2-related conditions.

Literature cited by the submitters: PubMed 17024374; PubMed 19810119; PubMed 19876929.

NM_147127.5(EVC2):c.2380G>T (p.Glu794Ter)

Gene: EVC2 (EvC ciliary complex subunit 2; minus strand). Cytogenetic location: 4p16.2.
Variant type: single nucleotide variant.
Coding change: c.2380G>T on transcript NM_147127.5 (MANE Select); coding-DNA position 2380, G replaced by T.
Protein change: p.Glu794Ter; replaces glutamic acid 794 with a stop codon.
Molecular consequence: nonsense.
Genome position (GRCh38, 1-based): chr4:5,622,658, C>A on the plus strand (G>T on the coding strand, the complement: EVC2 is on the minus strand). VCF-style: chr4-5622658-C-A. GRCh37 (hg19) VCF-style: chr4-5624385-C-A.
Other names: c.2140G>T, p.Glu714Ter (NM_001166136.2); short protein forms E714*, E794*.
Identifiers: ClinVar variation 2942942 (VCV002942942.3), dbSNP rs2475374238, ClinGen allele CA356144563.